The following is an entry in ClinVar:

NM_001429.4(EP300):c.2671A>C (p.Thr891Pro)

Gene: EP300 (EP300 lysine acetyltransferase; plus strand). Cytogenetic location: 22q13.2.
Variant type: single nucleotide variant.
Coding change: c.2671A>C on transcript NM_001429.4 (MANE Select); coding-DNA position 2671, A replaced by C.
Protein change: p.Thr891Pro; replaces threonine 891 with proline.
Molecular consequence: missense variant.
Genome position (GRCh38, 1-based): chr22:41,150,052, A>C. VCF-style: chr22-41150052-A-C. GRCh37 (hg19) VCF-style: chr22-41546056-A-C.
Other names: c.2593A>C, p.Thr865Pro (NM_001362843.2); c.2671A>C (NM_001429.3); short protein forms T865P, T891P.
Identifiers: ClinVar variation 1690512 (VCV001690512.10), dbSNP rs200499648, ClinGen allele CA10252919.

ClinVar aggregate classification (germline): Benign/Likely benign. Review status: criteria provided, multiple submitters, no conflicts (2 of 4 stars). 4 submissions from 4 submitters: Benign (1); Likely benign (2). 1 of the submissions does not count toward it. Last evaluated 2025-02-08.

Conditions:
EP300-related disorder. Also called: EP300-related disorders; EP300-related condition.
Rubinstein-Taybi syndrome due to EP300 haploinsufficiency. Also called: EP300-Related Rubinstein-Taybi Syndrome; RUBINSTEIN-TAYBI SYNDROME 2. Identifiers: Orphanet 353284, Orphanet 783, MedGen C3150941, MONDO:0013364, OMIM 613684.
Inborn genetic diseases. Identifiers: MedGen C0950123, MeSH D030342.

Allele frequency attached by ClinVar (database versions not stated): gnomAD exomes 0.00001; ExAC 0.00003; gnomAD 0.00007 and 0.00008; ESP Exome Variant Server 0.00008; 1000 Genomes Project 30x 0.00016; 1000 Genomes Project 0.00020.
gnomAD v4.1: 19 of 1,613,664 alleles (0.0012%); highest among the groups gnomAD compares: African/African-American, 0.016%; no homozygotes.

Submissions (4):

Ambry Genetics
Classification: Likely benign for Inborn genetic diseases. Last evaluated: 2025-02-08. Review status: criteria provided, single submitter. Criteria: Ambry Variant Classification Scheme 2023. Collection method: clinical testing. Allele origin: germline.

Labcorp Genetics (formerly Invitae), Labcorp
Classification: Benign for Rubinstein-Taybi syndrome due to EP300 haploinsufficiency. Last evaluated: 2024-10-31. Review status: criteria provided, single submitter. Criteria: Invitae Variant Classification Sherloc (09022015). Collection method: clinical testing. Allele origin: germline.

Laboratorio de Genetica e Diagnostico Molecular, Hospital Israelita Albert Einstein
Classification: Likely benign. Last evaluated: 2021-12-09. Review status: criteria provided, single submitter. Criteria: ACMG Guidelines, 2015. Collection method: clinical testing. Allele origin: germline. Affected: yes.
Comment: ACMG classification criteria: BS2, BP4

PreventionGenetics, part of Exact Sciences
Classification: Uncertain significance for EP300-related condition. Last evaluated: 2024-05-22. Review status: no assertion criteria provided. Collection method: clinical testing. Allele origin: germline. Not counted in ClinVar's aggregate classification.
Comment: The EP300 c.2671A>C variant is predicted to result in the amino acid substitution p.Thr891Pro. To our knowledge, this variant has not been reported in the literature. This variant is reported in 0.016% of alleles in individuals of African descent in gnomAD, which is likely too common for an undocumented disease-causing variant. Although we suspect this variant may be benign, at this time its clinical significance is uncertain due to the absence of conclusive functional and genetic evidence.